The following is an entry in ClinVar:

NM_001164277.2(SLC37A4):c.968C>T (p.Thr323Ile)

Gene: SLC37A4 (solute carrier family 37 member 4; minus strand). Cytogenetic location: 11q23.3.
Variant type: single nucleotide variant.
Coding change: c.968C>T on transcript NM_001164277.2 (MANE Select); coding-DNA position 968, C replaced by T.
Protein change: p.Thr323Ile; replaces threonine 323 with isoleucine.
Molecular consequence: missense variant.
Genome position (GRCh38, 1-based): chr11:119,025,983, G>A on the plus strand (C>T on the coding strand, the complement: SLC37A4 is on the minus strand). VCF-style: chr11-119025983-G-A. GRCh37 (hg19) VCF-style: chr11-118896693-G-A.
Other names: c.968C>T, p.Thr323Ile (NM_001164278.2, NM_001164280.2, NM_001467.6); c.749C>T, p.Thr250Ile (NM_001164279.2); short protein forms T323I, T250I.
Identifiers: ClinVar variation 215180 (VCV000215180.42), dbSNP rs202209699, ClinGen allele CA321255.

ClinVar aggregate classification (germline): Conflicting classifications of pathogenicity. Review status: criteria provided, conflicting classifications (1 of 4 stars). 7 submissions from 7 submitters: Uncertain significance (1); Benign (1); Likely benign (4). 1 of the submissions does not count toward it. Last evaluated 2026-02-12.

Conditions:
SLC37A4-related disorder. Also called: SLC37A4-related condition.
Glucose-6-phosphate transport defect (GSD1B). Also called: Glycogen Storage Disease Type Ib; GSD Ib. Identifiers: Orphanet 364, Orphanet 79259, MedGen C0268146, MONDO:0009288, OMIM 232220.

Allele frequency attached by ClinVar (database versions not stated): 1000 Genomes Project 30x 0.00016; 1000 Genomes Project 0.00020; ESP Exome Variant Server 0.00040; TOPMed 0.00040; gnomAD exomes 0.00152 and 0.00344; gnomAD 0.00267 and 0.00273; ExAC 0.00467.

Submissions (7):

Women's Health and Genetics/Laboratory Corporation of America, LabCorp
Classification: Likely benign. Last evaluated: 2026-02-12. Review status: criteria provided, single submitter. Criteria: LabCorp Variant Classification Summary - May 2015. Collection method: clinical testing. Allele origin: germline.
Comment: Variant summary: SLC37A4 c.968C>T (p.Thr323Ile) results in a non-conservative amino acid change in the encoded protein sequence. Algorithms developed to predict the effect of missense changes on protein structure and function are either unavailable or do not agree on the potential impact of this missense change. The variant allele was found at a frequency of 0.0034 in 236036 control chromosomes in the gnomAD database, including 15 homozygotes. The observed variant frequency exceeds the estimated maximal expected allele frequency for disease-causing variants in SLC37A4. To our knowledge, no occurrence of c.968C>T in individuals affected with SLC37A4-related conditions and no experimental evidence demonstrating its impact on protein function have been reported. ClinVar contains an entry for this variant (Variation ID: 215180). Based on the evidence outlined above, the variant was classified as likely benign.

Labcorp Genetics (formerly Invitae), Labcorp
Classification: Benign for Glucose-6-phosphate transport defect. Last evaluated: 2026-01-28. Review status: criteria provided, single submitter. Criteria: Invitae Variant Classification Sherloc (09022015). Collection method: clinical testing. Allele origin: germline.

CeGaT Center for Human Genetics Tuebingen
Classification: Likely benign. Last evaluated: 2024-12-01. Review status: criteria provided, single submitter. Criteria: CeGaT Center For Human Genetics Tuebingen Variant Classification Criteria Version 2. Collection method: clinical testing. Allele origin: germline. Affected: yes. Observed: 2 variant alleles.
Comment: SLC37A4: BS2

Blueprint Genetics
Classification: Likely benign. Last evaluated: 2024-11-22. Review status: criteria provided, single submitter. Criteria: ACMG Guidelines, 2015. Collection method: clinical testing. Allele origin: germline.

Genome-Nilou Lab
Classification: Likely benign for Glucose-6-phosphate transport defect. Last evaluated: 2021-05-18. Review status: criteria provided, single submitter. Criteria: ACMG Guidelines, 2015. Collection method: clinical testing. Allele origin: germline. Affected: no.

GeneDx
Classification: Uncertain significance. Last evaluated: 2014-10-28. Review status: criteria provided, single submitter. Criteria: GeneDx Variant Classification (06012015). Collection method: clinical testing. Allele origin: germline. Affected: yes.
Comment: p.Thr323Ile (ACC>ATC): c.968 C>T in exon 8 of the SLC37A4 gene (NM_001164277.1) A variant of unknown significance has been identified in the SLC37A4 gene. The T323I variant has not been published as a mutation, nor has it been reported as a benign polymorphism to our knowledge. Mutations in the SLC37A4 gene are associated with the autosomal recessive disorders glycogen storage disease Ib and Ic. The T323I variant is a non-conservative amino acid substitution, which is likely to impact secondary protein structure as these residues differ in polarity, charge, size and/or other properties. This substitution occurs at a position where amino acids similar to Threonine are conserved across species. In silico analysis is inconsistent in its predictions as to whether or not the variant is damaging to the protein structure/function. Therefore, based on the currently available information, it is unclear whether this variant is a pathogenic mutation or a rare benign variant. The variant is found in MITONUC-MITOP panel(s).

PreventionGenetics, part of Exact Sciences
Classification: Benign for SLC37A4-related condition. Last evaluated: 2019-06-02. Review status: no assertion criteria provided. Collection method: clinical testing. Allele origin: germline. Not counted in ClinVar's aggregate classification.
Comment: This variant is classified as benign based on ACMG/AMP sequence variant interpretation guidelines (Richards et al. 2015 PMID: 25741868, with internal and published modifications).